The following is an entry in ClinVar:

ClinVar aggregate classification (germline): Uncertain significance (1 of 4 stars; one submission).

Allele frequency attached by ClinVar (database versions not stated): TOPMed below 0.00001; gnomAD 0.00001.
gnomAD v4.1: 2 of 1,614,024 alleles (0.00012%); highest among the groups gnomAD compares: Non-Finnish European, 0.00017%; no homozygotes.

Submission:

Labcorp Genetics (formerly Invitae), Labcorp
Classification: Uncertain significance. Last evaluated: 2025-02-03. Review status: criteria provided, single submitter. Criteria: Invitae Variant Classification Sherloc (09022015). Collection method: clinical testing. Allele origin: germline.
Comment: This sequence change replaces histidine, which is basic and polar, with leucine, which is neutral and non-polar, at codon 106 of the HK1 protein (p.His106Leu). This variant is present in population databases (rs764841583, gnomAD no frequency). This variant has not been reported in the literature in individuals affected with HK1-related conditions. ClinVar contains an entry for this variant (Variation ID: 1357270). Invitae Evidence Modeling of protein sequence and biophysical properties (such as structural, functional, and spatial information, amino acid conservation, physicochemical variation, residue mobility, and thermodynamic stability) indicates that this missense variant is not expected to disrupt HK1 protein function with a negative predictive value of 80%. In summary, the available evidence is currently insufficient to determine the role of this variant in disease. Therefore, it has been classified as a Variant of Uncertain Significance.

NM_000188.3(HK1):c.317A>T (p.His106Leu)

Gene: HK1 (hexokinase 1; plus strand). Cytogenetic location: 10q22.1.
Variant type: single nucleotide variant.
Coding change: c.317A>T on transcript NM_000188.3 (MANE Select); coding-DNA position 317, A replaced by T.
Protein change: p.His106Leu; replaces histidine 106 with leucine.
Molecular consequence: missense variant.
Genome position (GRCh38, 1-based): chr10:69,359,987, A>T. VCF-style: chr10-69359987-A-T. GRCh37 (hg19) VCF-style: chr10-71119743-A-T.
Other names: c.329A>T, p.His110Leu (NM_001358263.1, NM_033497.3, NM_033498.3 and 1 more transcripts); c.314A>T, p.His105Leu (NM_033496.3); c.281A>T, p.His94Leu (NM_033500.2); c.422A>T, p.His141Leu (NM_001322365.2); c.233A>T, p.His78Leu (NM_001322366.1); c.317A>T, p.His106Leu (NM_001322367.1); short protein forms H106L, H141L, H110L, H78L, H105L, H94L.
Identifiers: ClinVar variation 1357270 (VCV001357270.8), dbSNP rs764841583, ClinGen allele CA5532275.